The following is an entry in ClinVar:

NM_133259.4(LRPPRC):c.1709A>G (p.Tyr570Cys)

Gene: LRPPRC (leucine rich pentatricopeptide repeat containing; minus strand). Cytogenetic location: 2p21.
Variant type: single nucleotide variant.
Coding change: c.1709A>G on transcript NM_133259.4 (MANE Select); coding-DNA position 1709, A replaced by G.
Protein change: p.Tyr570Cys; replaces tyrosine 570 with cysteine.
Molecular consequence: missense variant.
Genome position (GRCh38, 1-based): chr2:43,949,628, T>C on the plus strand (A>G on the coding strand, the complement: LRPPRC is on the minus strand). VCF-style: chr2-43949628-T-C. GRCh37 (hg19) VCF-style: chr2-44176767-T-C.
Other names: p.Tyr570Cys; short protein forms Y570C.
Identifiers: ClinVar variation 4540645 (VCV004540645.1).

ClinVar aggregate classification (germline): Uncertain significance (1 of 4 stars; one submission).

Submission:

Mayo Clinic Laboratories, Mayo Clinic
Classification: Uncertain significance. Last evaluated: 2025-03-21. Review status: criteria provided, single submitter. Criteria: ACMG Guidelines, 2015. Collection method: clinical testing. Allele origin: germline. Observed: 1 variant allele.
Comment: BP4, PM2_supporting